The following is an entry in ClinVar:

ClinVar aggregate classification (germline): Benign. Review status: criteria provided, multiple submitters, no conflicts (2 of 4 stars). 2 submissions from 2 submitters: Benign (2). Last evaluated 2018-01-13.

Conditions:
Hyper-IgE recurrent infection syndrome 1, autosomal dominant. Also called: HYPER-IgE SYNDROME 1, AUTOSOMAL DOMINANT, WITH RECURRENT INFECTIONS; JOB SYNDROME; Job's Syndrome; STAT3 Hyper IgE Syndrome; Hyper-IgE recurrent infection syndrome 1. Identifiers: Orphanet 2314, MedGen C2936739, MONDO:0007818, OMIM 147060.

Allele frequency attached by ClinVar (database versions not stated): gnomAD 0.26115; TOPMed 0.26318; 1000 Genomes Project 30x 0.30340; 1000 Genomes Project 0.30831.
gnomAD v4.1: 57,655 of 230,022 alleles (25%); highest among the groups gnomAD compares: African/African-American, 41%; 8,319 homozygotes.

Submissions (2):

Illumina Laboratory Services, Illumina
Classification: Benign for Hyper-IgE recurrent infection syndrome 1, autosomal dominant. Last evaluated: 2018-01-13. Review status: criteria provided, single submitter. Criteria: ICSL Variant Classification Criteria 13 December 2019. Collection method: clinical testing. Allele origin: germline.
Comment: This variant was observed in the ICSL laboratory as part of a predisposition screen in an ostensibly healthy population. It had not been previously curated by ICSL or reported in the Human Gene Mutation Database (HGMD: prior to June 1st, 2018), and was therefore a candidate for classification through an automated scoring system. Utilizing variant allele frequency, disease prevalence and penetrance estimates, and inheritance mode, an automated score was calculated to assess if this variant is too frequent to cause the disease. Based on the score and internal cut-off values, a variant classified as benign is not then subjected to further curation. The score for this variant resulted in a classification of benign for this disease.

Breakthrough Genomics
Classification: Benign. Review status: criteria provided, single submitter. Criteria: ACMG Guidelines, 2015. Collection method: not provided. Allele origin: germline. Inheritance: Autosomal dominant inheritance. Affected: yes.

NM_139276.3(STAT3):c.*2147A>G

Gene: STAT3 (signal transducer and activator of transcription 3; minus strand). Cytogenetic location: 17q21.2.
Variant type: single nucleotide variant.
Coding change: c.*2147A>G on transcript NM_139276.3 (MANE Select); 2147 bases downstream of the stop codon, A replaced by G.
Molecular consequence: 3 prime UTR variant.
Genome position (GRCh38, 1-based): chr17:42,313,598, T>C on the plus strand (A>G on the coding strand, the complement: STAT3 is on the minus strand). VCF-style: chr17-42313598-T-C. GRCh37 (hg19) VCF-style: chr17-40465616-T-C.
Other names: c.*2147A>G (NM_001369512.1, NM_001369513.1, NM_001369514.1 and 10 more transcripts); c.*2241A>G (NM_001369517.1, NM_001369518.1, NM_001369519.1 and 4 more transcripts).
Identifiers: ClinVar variation 323209 (VCV000323209.6), dbSNP rs1053023, ClinGen allele CA10649228.